The following is an entry in ClinVar:

NM_001458.5(FLNC):c.5339C>A (p.Ser1780Tyr)

Genes: FLNC-AS1 (FLNC antisense RNA 1; minus strand), FLNC (filamin C; plus strand). Cytogenetic location: 7q32.1.
Variant type: single nucleotide variant.
Coding change: c.5339C>A on transcript NM_001458.5 (MANE Select); coding-DNA position 5339, C replaced by A.
Protein change: p.Ser1780Tyr; replaces serine 1780 with tyrosine.
Molecular consequence: missense variant.
Genome position (GRCh38, 1-based): chr7:128,850,424, C>A. VCF-style: chr7-128850424-C-A. GRCh37 (hg19) VCF-style: chr7-128490478-C-A.
Other names: c.5240C>A, p.Ser1747Tyr (NM_001127487.2); short protein forms S1780Y, S1747Y.
Identifiers: ClinVar variation 2946076 (VCV002946076.3), dbSNP rs2536653095, ClinGen allele CA369205100.

ClinVar aggregate classification (germline): Uncertain significance (1 of 4 stars; one submission).

Conditions:
Myofibrillar myopathy 5. Also called: Filaminopathy (type); FILAMINOPATHY, AUTOSOMAL DOMINANT. Identifiers: Orphanet 171445, MedGen C1836050, MONDO:0012289, OMIM 609524.
Hypertrophic cardiomyopathy 26. Also called: Cardiomyopathy, familial hypertrophic, 26. Identifiers: Orphanet 75249, MedGen C4310749, MONDO:0014883, OMIM 617047.
Distal myopathy with posterior leg and anterior hand involvement. Also called: WILLIAMS DISTAL MYOPATHY. Identifiers: Orphanet 63273, MedGen C3279722, MONDO:0013550, OMIM 614065.

Submission:

Labcorp Genetics (formerly Invitae), Labcorp
Classification: Uncertain significance for Distal myopathy with posterior leg and anterior hand involvement; Myofibrillar myopathy 5; Hypertrophic cardiomyopathy 26. Last evaluated: 2023-04-03. Review status: criteria provided, single submitter. Criteria: Invitae Variant Classification Sherloc (09022015). Collection method: clinical testing. Allele origin: germline.
Comment: In summary, the available evidence is currently insufficient to determine the role of this variant in disease. Therefore, it has been classified as a Variant of Uncertain Significance. Advanced modeling of protein sequence and biophysical properties (such as structural, functional, and spatial information, amino acid conservation, physicochemical variation, residue mobility, and thermodynamic stability) has been performed at Invitae for this missense variant, however the output from this modeling did not meet the statistical confidence thresholds required to predict the impact of this variant on FLNC protein function. This variant has not been reported in the literature in individuals affected with FLNC-related conditions. This variant is not present in population databases (gnomAD no frequency). This sequence change replaces serine, which is neutral and polar, with tyrosine, which is neutral and polar, at codon 1780 of the FLNC protein (p.Ser1780Tyr).